The following is an entry in ClinVar:

NM_001127222.2(CACNA1A):c.3020A>G (p.His1007Arg)

Gene: CACNA1A (calcium voltage-gated channel subunit alpha1 A; minus strand). Cytogenetic location: 19p13.13.
Variant type: single nucleotide variant.
Coding change: c.3020A>G on transcript NM_001127222.2 (MANE Select); coding-DNA position 3020, A replaced by G.
Protein change: p.His1007Arg; replaces histidine 1007 with arginine.
Molecular consequence: missense variant.
Genome position (GRCh38, 1-based): chr19:13,298,613, T>C on the plus strand (A>G on the coding strand, the complement: CACNA1A is on the minus strand). VCF-style: chr19-13298613-T-C. GRCh37 (hg19) VCF-style: chr19-13409427-T-C.
Other names: c.3032A>G, p.His1011Arg (NM_000068.4, NM_023035.3); c.3023A>G, p.His1008Arg (NM_001127221.2, NM_001174080.2); short protein forms H1007R, H1008R, H1011R.
Identifiers: ClinVar variation 3764125 (VCV003764125.2).

ClinVar aggregate classification (germline): Uncertain significance. Review status: criteria provided, multiple submitters, no conflicts (2 of 4 stars). 2 submissions from 2 submitters: Uncertain significance (2). Last evaluated 2024-08-22.

gnomAD v4.1: 1 of 1,536,166 alleles (0.000065%); highest among the groups gnomAD compares: Non-Finnish European, 0.000088%; no homozygotes.

Submissions (2):

GeneDx
Classification: Uncertain significance. Last evaluated: 2024-08-22. Review status: criteria provided, single submitter. Criteria: GeneDx Variant Classification Process June 2021. Collection method: clinical testing. Allele origin: germline. Affected: yes.
Comment: Not observed at significant frequency in large population cohorts (gnomAD); In silico analysis supports that this missense variant has a deleterious effect on protein structure/function; Has not been previously published as pathogenic or benign to our knowledge

Blueprint Genetics
Classification: Uncertain significance. Last evaluated: 2023-10-17. Review status: criteria provided, single submitter. Criteria: ACMG Guidelines, 2015. Collection method: clinical testing. Allele origin: germline.